The following is an entry in ClinVar:

ClinVar aggregate classification (germline): Conflicting classifications of pathogenicity. Review status: criteria provided, conflicting classifications (1 of 4 stars). 3 submissions from 1 submitter: Uncertain significance (2); Likely benign (1). Last evaluated 2018-01-12.

Conditions:
Autosomal dominant nonsyndromic hearing loss 11. Identifiers: Orphanet 90635, MedGen C1832475, MONDO:0011032, OMIM 601317.
Usher syndrome type 1 (USH1). Also called: RETINITIS PIGMENTOSA AND CONGENITAL DEAFNESS. Identifiers: Orphanet 231169, Orphanet 886, MedGen C1568247, MONDO:0010168, OMIM 276900.
Autosomal recessive nonsyndromic hearing loss 2. Also called: DEAFNESS, AUTOSOMAL RECESSIVE 2; NEUROSENSORY NONSYNDROMIC RECESSIVE DEAFNESS 2. Identifiers: Orphanet 90636, MedGen C1838701, MONDO:0010807, OMIM 600060.

Allele frequency attached by ClinVar (database versions not stated): gnomAD exomes 0.00013; TOPMed 0.00029; 1000 Genomes Project 30x 0.00047; 1000 Genomes Project 0.00060.
gnomAD v4.1: 57 of 183,844 alleles (0.031%); highest among the groups gnomAD compares: African/African-American, 0.094%; no homozygotes.

Submissions (3):

Illumina Laboratory Services, Illumina
Classification: Likely benign for Autosomal dominant nonsyndromic hearing loss 11. Last evaluated: 2018-01-12. Review status: criteria provided, single submitter. Criteria: ICSL Variant Classification Criteria 13 December 2019. Collection method: clinical testing. Allele origin: germline.
Comment: This variant was observed in the ICSL laboratory as part of a predisposition screen in an ostensibly healthy population. It had not been previously curated by ICSL or reported in the Human Gene Mutation Database (HGMD: prior to June 1st, 2018), and was therefore a candidate for classification through an automated scoring system. Utilizing variant allele frequency, disease prevalence and penetrance estimates, and inheritance mode, an automated score was calculated to assess if this variant is too frequent to cause the disease. Based on the score and internal cut-off values, a variant classified as likely benign is not then subjected to further curation. The score for this variant resulted in a classification of likely benign for this disease.

Illumina Laboratory Services, Illumina
Classification: Uncertain significance for Usher syndrome type 1. Last evaluated: 2018-01-12. Review status: criteria provided, single submitter. Criteria: ICSL Variant Classification Criteria 13 December 2019. Collection method: clinical testing. Allele origin: germline.

Illumina Laboratory Services, Illumina
Classification: Uncertain significance for Autosomal recessive nonsyndromic hearing loss 2. Last evaluated: 2018-01-12. Review status: criteria provided, single submitter. Criteria: ICSL Variant Classification Criteria 13 December 2019. Collection method: clinical testing. Allele origin: germline.

NM_000260.4(MYO7A):c.*416C>T

Gene: MYO7A (myosin VIIA; plus strand). Cytogenetic location: 11q13.5.
Variant type: single nucleotide variant.
Coding change: c.*416C>T on transcript NM_000260.4 (MANE Select); 416 bases downstream of the stop codon, C replaced by T.
Molecular consequence: 3 prime UTR variant.
Genome position (GRCh38, 1-based): chr11:77,215,112, C>T. VCF-style: chr11-77215112-C-T. GRCh37 (hg19) VCF-style: chr11-76926157-C-T.
Other names: c.*416C>T (NM_001127180.2, NM_001369365.1).
Identifiers: ClinVar variation 881546 (VCV000881546.4), dbSNP rs549702559, ClinGen allele CA224830907.
Genomic context (GRCh38, chr11:77,215,112, plus strand): 5'-AGAGGACAATCTAGCTCTCCATACTTTGAACAACCAAATGTGCATTGAATACTCTGAAAC[C>T]GAAGGGACTGGATCTGCAGGTGGGATGAGGGAGACAGACCACTTTTCTATATTGCAGTGT-3'